The following is an entry in ClinVar:

ClinVar aggregate classification (germline): Uncertain significance (1 of 4 stars; one submission).

Conditions:
Hypertrophic cardiomyopathy. Also called: HYPERTROPHIC MYOCARDIOPATHY. Identifiers: Orphanet 217569, MedGen C0007194, MeSH D002312, MONDO:0005045, HP:0001639.

gnomAD v4.1: 1 of 1,614,230 alleles (0.000062%); highest among the groups gnomAD compares: South Asian, 0.0011%; no homozygotes.

Submission:

Labcorp Genetics (formerly Invitae), Labcorp
Classification: Uncertain significance for Hypertrophic cardiomyopathy. Last evaluated: 2024-05-22. Review status: criteria provided, single submitter. Criteria: Invitae Variant Classification Sherloc (09022015). Collection method: clinical testing. Allele origin: germline.
Comment: This sequence change replaces alanine, which is neutral and non-polar, with threonine, which is neutral and polar, at codon 1922 of the MYH7 protein (p.Ala1922Thr). This variant is not present in population databases (gnomAD no frequency). This variant has not been reported in the literature in individuals affected with MYH7-related conditions. Advanced modeling of protein sequence and biophysical properties (such as structural, functional, and spatial information, amino acid conservation, physicochemical variation, residue mobility, and thermodynamic stability) performed at Invitae indicates that this missense variant is not expected to disrupt MYH7 protein function with a negative predictive value of 95%. In summary, the available evidence is currently insufficient to determine the role of this variant in disease. Therefore, it has been classified as a Variant of Uncertain Significance.

NM_000257.4(MYH7):c.5764G>A (p.Ala1922Thr)

Gene: MYH7 (myosin heavy chain 7; minus strand). Cytogenetic location: 14q11.2.
Variant type: single nucleotide variant.
Coding change: c.5764G>A on transcript NM_000257.4 (MANE Select); coding-DNA position 5764, G replaced by A.
Protein change: p.Ala1922Thr; replaces alanine 1922 with threonine.
Molecular consequence: missense variant.
Genome position (GRCh38, 1-based): chr14:23,413,785, C>T on the plus strand (G>A on the coding strand, the complement: MYH7 is on the minus strand). VCF-style: chr14-23413785-C-T. GRCh37 (hg19) VCF-style: chr14-23882994-C-T.
Other names: c.5764G>A, p.Ala1922Thr (NM_001407004.1); short protein forms A1922T.
Identifiers: ClinVar variation 3635987 (VCV003635987.2).
Genomic context (GRCh38, chr14:23,413,785, plus strand): 5'-GGGGTGACTAGCAAAGCCCAAAAGAGGGACCCACCTTCGTGCCAATGTCACGGCTCTTGG[C>T]CCGCAGCTTGTTGACCTGGGACTCGGCGATGTCCGCCCGCTCCTCTGCCTCATCCAGCTC-3'
Protein context (NP_000248.2, residues 1912-1932): IAESQVNKLR[Ala1922Thr]KSRDIGTKGL